The following is an entry in ClinVar:

ClinVar aggregate classification (germline): Uncertain significance (1 of 4 stars; one submission).

Conditions:
ABCC12-related condition.

Submission:

PreventionGenetics, part of Exact Sciences
Classification: Uncertain significance for ABCC12-related condition. Last evaluated: 2026-03-04. Review status: criteria provided, single submitter. Criteria: ACMG Guidelines, 2015. Collection method: clinical testing. Allele origin: germline.
Comment: The ABCC12 c.1861C>G variant is predicted to result in the amino acid substitution p.Arg621Gly. To our knowledge, this variant has not been reported in the literature or in a large population database (gnomAD), indicating this variant is rare. At this time, the clinical significance of this variant is uncertain due to the absence of conclusive functional and genetic evidence.

NM_001393797.1(ABCC12):c.1861C>G (p.Arg621Gly)

Gene: ABCC12 (ATP binding cassette subfamily C member 12; minus strand). Cytogenetic location: 16q12.1.
Variant type: single nucleotide variant.
Coding change: c.1861C>G on transcript NM_001393797.1 (MANE Select); coding-DNA position 1861, C replaced by G.
Protein change: p.Arg621Gly; replaces arginine 621 with glycine.
Molecular consequence: missense variant. On other transcripts: non-coding transcript variant (6).
Genome position (GRCh38, 1-based): chr16:48,115,543, G>C on the plus strand (C>G on the coding strand, the complement: ABCC12 is on the minus strand). VCF-style: chr16-48115543-G-C. GRCh37 (hg19) VCF-style: chr16-48149454-G-C.
Other names: c.1861C>G, p.Arg621Gly (NM_033226.3); short protein forms R621G.
Identifiers: ClinVar variation 4987077 (VCV004987077.1).